The following is an entry in ClinVar:

ClinVar aggregate classification (germline): Uncertain significance. Review status: criteria provided, multiple submitters, no conflicts (2 of 4 stars). 2 submissions from 2 submitters: Uncertain significance (2). Last evaluated 2025-07-19.

Conditions:
Hereditary cancer-predisposing syndrome. Also called: Neoplastic Syndromes, Hereditary; Tumor predisposition; Hereditary Cancer Syndrome; Hereditary neoplastic syndrome. Identifiers: Orphanet 140162, MedGen C0027672, MeSH D009386, MONDO:0015356.

gnomAD v4.1: 2 of 1,614,092 alleles (0.00012%); highest among the groups gnomAD compares: Admixed American, 0.0017%; no homozygotes.

Submissions (2):

Ambry Genetics
Classification: Uncertain significance for Hereditary cancer-predisposing syndrome. Last evaluated: 2025-07-19. Review status: criteria provided, single submitter. Criteria: Ambry Variant Classification Scheme 2023. Collection method: clinical testing. Allele origin: germline.
Comment: The p.P121S variant (also known as c.361C>T), located in coding exon 1 of the HOXB13 gene, results from a C to T substitution at nucleotide position 361. The proline at codon 121 is replaced by serine, an amino acid with similar properties. This variant was not reported in population based cohorts in the following databases: Database of Single Nucleotide Polymorphisms (dbSNP), NHLBI Exome Sequencing Project (ESP), and 1000 Genomes Project. In the ESP, this variant was not observed in 6503 samples (13006 alleles) with coverage at this position. This amino acid position is not well conserved in available vertebrate species. In addition, this alteration is predicted to be tolerated by in silico analysis. Since supporting evidence is limited at this time, the clinical significance of this alteration remains unclear.

Labcorp Genetics (formerly Invitae), Labcorp
Classification: Uncertain significance. Last evaluated: 2025-06-04. Review status: criteria provided, single submitter. Criteria: Invitae Variant Classification Sherloc (09022015). Collection method: clinical testing. Allele origin: germline.
Comment: This sequence change replaces proline, which is neutral and non-polar, with serine, which is neutral and polar, at codon 121 of the HOXB13 protein (p.Pro121Ser). This variant is not present in population databases (gnomAD no frequency). This variant has not been reported in the literature in individuals affected with HOXB13-related conditions. ClinVar contains an entry for this variant (Variation ID: 1733303). Invitae Evidence Modeling of protein sequence and biophysical properties (such as structural, functional, and spatial information, amino acid conservation, physicochemical variation, residue mobility, and thermodynamic stability) indicates that this missense variant is not expected to disrupt HOXB13 protein function with a negative predictive value of 80%. In summary, the available evidence is currently insufficient to determine the role of this variant in disease. Therefore, it has been classified as a Variant of Uncertain Significance.

NM_006361.6(HOXB13):c.361C>T (p.Pro121Ser)

Gene: HOXB13 (homeobox B13; minus strand). Cytogenetic location: 17q21.32.
Variant type: single nucleotide variant.
Coding change: c.361C>T on transcript NM_006361.6 (MANE Select); coding-DNA position 361, C replaced by T.
Protein change: p.Pro121Ser; replaces proline 121 with serine.
Molecular consequence: missense variant.
Genome position (GRCh38, 1-based): chr17:48,728,233, G>A on the plus strand (C>T on the coding strand, the complement: HOXB13 is on the minus strand). VCF-style: chr17-48728233-G-A. GRCh37 (hg19) VCF-style: chr17-46805595-G-A.
Other names: short protein forms P121S.
Identifiers: ClinVar variation 1733303 (VCV001733303.6), dbSNP rs766909225, ClinGen allele CA400107619.